The following is an entry in ClinVar:

ClinVar aggregate classification (germline): Uncertain significance. Review status: criteria provided, multiple submitters, no conflicts (2 of 4 stars). 2 submissions from 2 submitters: Uncertain significance (2). Last evaluated 2025-07-15.

Conditions:
Generalized epilepsy-paroxysmal dyskinesia syndrome (PNKD3). Also called: Generalized epilepsy and paroxysmal dyskinesia; Paroxysmal nonkinesigenic dyskinesia, 3, with or without generalized epilepsy. Identifiers: Orphanet 79137, MedGen C5574945, MONDO:0012276, OMIM 609446.

Allele frequency attached by ClinVar (database versions not stated): gnomAD 0.00001; gnomAD exomes 0.00001; TOPMed 0.00002.
gnomAD v4.1: 12 of 1,516,340 alleles (0.00079%); highest among the groups gnomAD compares: African/African-American, 0.0014%; no homozygotes.

Submissions (2):

Labcorp Genetics (formerly Invitae), Labcorp
Classification: Uncertain significance for Generalized epilepsy-paroxysmal dyskinesia syndrome. Last evaluated: 2025-07-15. Review status: criteria provided, single submitter. Criteria: Invitae Variant Classification Sherloc (09022015). Collection method: clinical testing. Allele origin: germline.
Comment: This sequence change replaces alanine, which is neutral and non-polar, with threonine, which is neutral and polar, at codon 2 of the KCNMA1 protein (p.Ala2Thr). The frequency data for this variant in the population databases is considered unreliable, as metrics indicate poor data quality at this position in the gnomAD database. This variant has not been reported in the literature in individuals affected with KCNMA1-related conditions. ClinVar contains an entry for this variant (Variation ID: 1005038). Experimental studies and prediction algorithms are not available or were not evaluated, and the functional significance of this variant is currently unknown. In summary, the available evidence is currently insufficient to determine the role of this variant in disease. Therefore, it has been classified as a Variant of Uncertain Significance.

GeneDx
Classification: Uncertain significance. Last evaluated: 2024-11-21. Review status: criteria provided, single submitter. Criteria: GeneDx Variant Classification Process June 2021. Collection method: clinical testing. Allele origin: germline. Affected: yes.
Comment: Not observed at significant frequency in large population cohorts (gnomAD); In silico analysis indicates that this missense variant does not alter protein structure/function; Has not been previously published as pathogenic or benign to our knowledge

NM_001161352.2(KCNMA1):c.4G>A (p.Ala2Thr)

Gene: KCNMA1 (potassium calcium-activated channel subfamily M alpha 1; minus strand). Cytogenetic location: 10q22.3.
Variant type: single nucleotide variant.
Coding change: c.4G>A on transcript NM_001161352.2 (MANE Select); coding-DNA position 4, G replaced by A.
Protein change: p.Ala2Thr; replaces alanine 2 with threonine.
Molecular consequence: missense variant.
Genome position (GRCh38, 1-based): chr10:77,637,639, C>T on the plus strand (G>A on the coding strand, the complement: KCNMA1 is on the minus strand). VCF-style: chr10-77637639-C-T. GRCh37 (hg19) VCF-style: chr10-79397397-C-T.
Other names: c.4G>A (NM_002247.3); c.4G>A, p.Ala2Thr (NM_001014797.3, NM_001161353.2, NM_001271518.2 and 12 more transcripts); short protein forms A2T.
Identifiers: ClinVar variation 1005038 (VCV001005038.10), dbSNP rs1344908173, ClinGen allele CA377412960.